The following is an entry in ClinVar:

ClinVar aggregate classification (germline): Likely benign. Review status: criteria provided, multiple submitters, no conflicts (2 of 4 stars). 2 submissions from 2 submitters: Likely benign (2). Last evaluated 2026-05-12.

Conditions:
Neurofibromatosis, type 1 (NF1). Also called: VON RECKLINGHAUSEN DISEASE; Neurofibromatosis, type I; NEUROFIBROMATOSIS, TYPE I, SOMATIC; Peripheral type neurofibromatosis. Identifiers: Orphanet 636, MedGen C0027831, MONDO:0018975, OMIM 162200. Disease mechanism: loss of function.

gnomAD v4.1: 6 of 1,609,996 alleles (0.00037%); highest among the groups gnomAD compares: Non-Finnish European, 0.00017%; no homozygotes.

Submissions (2):

Myriad Genetics, Inc.
Classification: Likely benign for Neurofibromatosis, type 1. Last evaluated: 2026-05-12. Review status: criteria provided, single submitter. Criteria: Myriad Autosomal Dominant, Autosomal Recessive and X-Linked Classification Criteria (2023). Collection method: clinical testing. Allele origin: unknown.
Comment: This variant is considered likely benign. This variant is intronic and is not expected to impact mRNA splicing.

Labcorp Genetics (formerly Invitae), Labcorp
Classification: Likely benign for Neurofibromatosis, type 1. Last evaluated: 2026-01-19. Review status: criteria provided, single submitter. Criteria: Invitae Variant Classification Sherloc (09022015). Collection method: clinical testing. Allele origin: germline.

NM_001042492.3(NF1):c.2991-18G>C

Gene: NF1 (neurofibromin 1; plus strand). Cytogenetic location: 17q11.2.
Variant type: single nucleotide variant.
Coding change: c.2991-18G>C on transcript NM_001042492.3 (MANE Select); 18 bases into the intron before coding-DNA position 2991, G replaced by C.
Molecular consequence: intron variant.
Genome position (GRCh38, 1-based): chr17:31,230,242, G>C. VCF-style: chr17-31230242-G-C. GRCh37 (hg19) VCF-style: chr17-29557260-G-C.
Other names: c.2991-18G>C (NM_000267.4).
Identifiers: ClinVar variation 1592139 (VCV001592139.9), dbSNP rs2067089429, ClinGen allele CA2573153326.